The following is an entry in ClinVar:

NM_000038.6(APC):c.3740C>T (p.Ala1247Val)

Gene: APC (APC regulator of Wnt signaling pathway; plus strand). Cytogenetic location: 5q22.2.
Variant type: single nucleotide variant.
Coding change: c.3740C>T on transcript NM_000038.6 (MANE Select); coding-DNA position 3740, C replaced by T.
Protein change: p.Ala1247Val; replaces alanine 1247 with valine.
Molecular consequence: missense variant. On other transcripts: non-coding transcript variant (2).
Genome position (GRCh38, 1-based): chr5:112,839,334, C>T. VCF-style: chr5-112839334-C-T. GRCh37 (hg19) VCF-style: chr5-112175031-C-T.
Other names: c.3740C>T, p.Ala1247Val (NM_001127510.3, NM_001354895.2, NM_001407450.1); c.3686C>T, p.Ala1229Val (NM_001127511.3); c.3794C>T, p.Ala1265Val (NM_001354896.2, NM_001407447.1, NM_001407448.1 and 1 more transcripts); c.3770C>T, p.Ala1257Val (NM_001354897.2); c.3665C>T, p.Ala1222Val (NM_001354898.2); c.3656C>T, p.Ala1219Val (NM_001354899.2); c.3617C>T, p.Ala1206Val (NM_001354900.2); c.3563C>T, p.Ala1188Val (NM_001354901.2, NM_001407453.1); and 11 more; short protein forms A1087V, A1118V, A1121V, A1146V, A1156V, A1164V, A1188V, A1206V.
Identifiers: ClinVar variation 3230279 (VCV003230279.1), dbSNP rs1441008398, ClinGen allele CA16029541.

ClinVar aggregate classification (germline): Uncertain significance (1 of 4 stars; one submission).

Conditions:
Hereditary cancer-predisposing syndrome. Also called: Neoplastic Syndromes, Hereditary; Tumor predisposition; Hereditary neoplastic syndrome; Hereditary Cancer Syndrome. Identifiers: Orphanet 140162, MedGen C0027672, MeSH D009386, MONDO:0015356.

Allele frequency attached by ClinVar (database versions not stated): gnomAD exomes below 0.00001.
gnomAD v4.1: 1 of 1,613,070 alleles (0.000062%); highest among the groups gnomAD compares: Admixed American, 0.0017%; no homozygotes.

Submission:

Ambry Genetics
Classification: Uncertain significance for Hereditary cancer-predisposing syndrome. Last evaluated: 2023-12-18. Review status: criteria provided, single submitter. Criteria: Ambry Variant Classification Scheme 2023. Collection method: clinical testing. Allele origin: germline.
Comment: The p.A1247V variant (also known as c.3740C>T), located in coding exon 15 of the APC gene, results from a C to T substitution at nucleotide position 3740. The alanine at codon 1247 is replaced by valine, an amino acid with similar properties. This amino acid position is poorly conserved in available vertebrate species. In addition, in silico predictors for this gene do not accurately predict pathogenicity. Since supporting evidence is limited at this time, the clinical significance of this alteration remains unclear.